The following is an entry in ClinVar:

NM_177965.4(CFAP418):c.210A>C (p.Ile70=)

Gene: CFAP418 (cilia and flagella associated protein 418; minus strand). Cytogenetic location: 8q22.1.
Variant type: single nucleotide variant.
Coding change: c.210A>C on transcript NM_177965.4 (MANE Select); coding-DNA position 210, A replaced by C.
Protein change: p.Ile70=; no amino-acid change (isoleucine 70 retained).
Molecular consequence: synonymous variant.
Genome position (GRCh38, 1-based): chr8:95,263,720, T>G on the plus strand (A>C on the coding strand, the complement: CFAP418 is on the minus strand). VCF-style: chr8-95263720-T-G. GRCh37 (hg19) VCF-style: chr8-96275948-T-G.
Other names: c.210A>C, p.Ile70= (NM_001363260.1).
Identifiers: ClinVar variation 3348675 (VCV003348675.1).

ClinVar aggregate classification (germline): Likely benign (0 of 4 stars; one submission).

Conditions:
CFAP418-related disorder. Also called: CFAP418-related condition.

Submission:

PreventionGenetics, part of Exact Sciences
Classification: Likely benign for CFAP418-related condition. Last evaluated: 2023-08-08. Review status: no assertion criteria provided. Collection method: clinical testing. Allele origin: germline.
Comment: This variant is classified as likely benign based on ACMG/AMP sequence variant interpretation guidelines (Richards et al. 2015 PMID: 25741868, with internal and published modifications).